The following is an entry in ClinVar:

ClinVar aggregate classification (germline): Uncertain significance (1 of 4 stars; one submission).

Conditions:
Neuropathy, hereditary sensory, type 1F. Also called: HSN IF; Hereditary sensory neuropathy type IF. Identifiers: Orphanet 36386, MedGen C3810194, MONDO:0014286, OMIM 615632.

gnomAD v4.1: 2 of 1,604,858 alleles (0.00012%); highest among the groups gnomAD compares: Non-Finnish European, 0.00017%; no homozygotes.

Submission:

Labcorp Genetics (formerly Invitae), Labcorp
Classification: Uncertain significance for Neuropathy, hereditary sensory, type 1F. Last evaluated: 2024-08-07. Review status: criteria provided, single submitter. Criteria: Invitae Variant Classification Sherloc (09022015). Collection method: clinical testing. Allele origin: germline.
Comment: This sequence change replaces threonine, which is neutral and polar, with alanine, which is neutral and non-polar, at codon 164 of the ATL3 protein (p.Thr164Ala). This variant is not present in population databases (gnomAD no frequency). This variant has not been reported in the literature in individuals affected with ATL3-related conditions. Advanced modeling of protein sequence and biophysical properties (such as structural, functional, and spatial information, amino acid conservation, physicochemical variation, residue mobility, and thermodynamic stability) performed at Invitae indicates that this missense variant is not expected to disrupt ATL3 protein function with a negative predictive value of 80%. In summary, the available evidence is currently insufficient to determine the role of this variant in disease. Therefore, it has been classified as a Variant of Uncertain Significance.

NM_015459.5(ATL3):c.490A>G (p.Thr164Ala)

Genes: ATL3 (atlastin GTPase 3; minus strand), LNCROPM (lncRNA regulator of PLAAT3 mediated phospholipid metabolism; plus strand). Cytogenetic location: 11q13.1.
Variant type: single nucleotide variant.
Coding change: c.490A>G on transcript NM_015459.5 (MANE Select); coding-DNA position 490, A replaced by G.
Protein change: p.Thr164Ala; replaces threonine 164 with alanine.
Molecular consequence: missense variant.
Genome position (GRCh38, 1-based): chr11:63,652,491, T>C on the plus strand (A>G on the coding strand, the complement: ATL3 is on the minus strand). VCF-style: chr11-63652491-T-C. GRCh37 (hg19) VCF-style: chr11-63419963-T-C.
Other names: c.436A>G, p.Thr146Ala (NM_001290048.2); short protein forms T146A, T164A.
Identifiers: ClinVar variation 3708469 (VCV003708469.2).